The following is an entry in ClinVar:

ClinVar aggregate classification (germline): Benign/Likely benign. Review status: criteria provided, multiple submitters, no conflicts (2 of 4 stars). 4 submissions from 4 submitters: Benign (2); Likely benign (2). Last evaluated 2025-09-16.

Conditions:
Inborn genetic diseases. Identifiers: MedGen C0950123, MeSH D030342.
Amyotrophic lateral sclerosis type 10 (ALS10). Also called: Amyotrophic lateral sclerosis 10, with or without FTD; AMYOTROPHIC LATERAL SCLEROSIS 10 WITHOUT FRONTOTEMPORAL DEMENTIA AND WITH TDP43 INCLUSIONS; AMYOTROPHIC LATERAL SCLEROSIS 10 WITH OR WITHOUT FRONTOTEMPORAL DEMENTIA AND WITH TDP43 INCLUSIONS; AMYOTROPHIC LATERAL SCLEROSIS 10 WITH OR WITHOUT FRONTOTEMPORAL DEMENTIA; TARDBP-Related Amyotrophic Lateral Sclerosis-Frontotemporal Dementia. Identifiers: Orphanet 275872, Orphanet 803, MedGen C2677565, MONDO:0012790, OMIM 612069.
FRONTOTEMPORAL LOBAR DEGENERATION WITH TDP43 INCLUSIONS, TARDBP-RELATED. Also called: Frontotemporal lobar degeneration, TARDBP-related. Identifiers: MedGen C3150169, OMIM 612069.

Allele frequency attached by ClinVar (database versions not stated): TOPMed 0.00003; gnomAD 0.00015; gnomAD exomes 0.00033; ExAC 0.00092; 1000 Genomes Project 30x 0.00125; 1000 Genomes Project 0.00160.
gnomAD v4.1: 506 of 1,613,912 alleles (0.031%); highest among the groups gnomAD compares: South Asian, 0.53%; 4 homozygotes.

Submissions (4):

Labcorp Genetics (formerly Invitae), Labcorp
Classification: Benign for Amyotrophic lateral sclerosis type 10; FRONTOTEMPORAL LOBAR DEGENERATION WITH TDP43 INCLUSIONS, TARDBP-RELATED. Last evaluated: 2025-09-16. Review status: criteria provided, single submitter. Criteria: Invitae Variant Classification Sherloc (09022015). Collection method: clinical testing. Allele origin: germline.

Blueprint Genetics
Classification: Likely benign. Last evaluated: 2024-09-18. Review status: criteria provided, single submitter. Criteria: ACMG Guidelines, 2015. Collection method: clinical testing. Allele origin: germline.

CeGaT Center for Human Genetics Tuebingen
Classification: Benign. Last evaluated: 2022-11-01. Review status: criteria provided, single submitter. Criteria: CeGaT Center For Human Genetics Tuebingen Variant Classification Criteria Version 2. Collection method: clinical testing. Allele origin: germline. Affected: yes. Observed: 1 variant allele.
Comment: TARDBP: BP4, BP7, BS1, BS2

Ambry Genetics
Classification: Likely benign for Inborn genetic diseases. Last evaluated: 2022-10-11. Review status: criteria provided, single submitter. Criteria: Ambry Variant Classification Scheme 2023. Collection method: clinical testing. Allele origin: germline.

NM_007375.4(TARDBP):c.792C>T (p.His264=)

Gene: TARDBP (TAR DNA binding protein; plus strand). Cytogenetic location: 1p36.22.
Variant type: single nucleotide variant.
Coding change: c.792C>T on transcript NM_007375.4 (MANE Select); coding-DNA position 792, C replaced by T.
Protein change: p.His264=; no amino-acid change (histidine 264 retained).
Molecular consequence: synonymous variant.
Genome position (GRCh38, 1-based): chr1:11,022,201, C>T. VCF-style: chr1-11022201-C-T. GRCh37 (hg19) VCF-style: chr1-11082258-C-T.
Identifiers: ClinVar variation 1761271 (VCV001761271.32), dbSNP rs528733699, ClinGen allele CA586453.
Genomic context (GRCh38, chr1:11,022,201, plus strand): 5'-TGGAGAGGACTTGATCATTAAAGGAATCAGCGTTCATATATCCAATGCCGAACCTAAGCA[C>T]AATAGCAATAGACAGTTAGAAAGAAGTGGAAGATTTGGTGGTAATCCAGGTGGCTTTGGG-3'
Protein context (NP_031401.1, residues 254-274): SVHISNAEPK[His264=]NSNRQLERSG